The following is an entry in ClinVar:

ClinVar aggregate classification (germline): Uncertain significance. Review status: criteria provided, multiple submitters, no conflicts (2 of 4 stars). 2 submissions from 2 submitters: Uncertain significance (2). Last evaluated 2021-07-26.

Conditions:
Familial thoracic aortic aneurysm and aortic dissection (TAAD). Also called: Thoracic aortic aneurysms and dissections. Identifiers: Orphanet 91387, MedGen C4707243, MONDO:0019625.

Submissions (2):

GeneDx
Classification: Uncertain significance. Last evaluated: 2021-07-26. Review status: criteria provided, single submitter. Criteria: GeneDx Variant Classification Process June 2021. Collection method: clinical testing. Allele origin: germline. Affected: yes.
Comment: Has not been previously published as pathogenic or benign to our knowledge; Not observed in large population cohorts (Lek et al., 2016); In silico analysis, which includes splice predictors and evolutionary conservation, predicts that this variant creates a new splice acceptor site five nucleotide positions upstream of the native splice acceptor site; however, in the absence of RNA/functional studies, the actual effect of this sequence change is unknown.

Labcorp Genetics (formerly Invitae), Labcorp
Classification: Uncertain significance for Familial thoracic aortic aneurysm and aortic dissection. Last evaluated: 2021-02-08. Review status: criteria provided, single submitter. Criteria: Invitae Variant Classification Sherloc (09022015). Collection method: clinical testing. Allele origin: germline.
Comment: This sequence change falls in intron 2 of the SMAD3 gene. It does not directly change the encoded amino acid sequence of the SMAD3 protein. This variant is not present in population databases (ExAC no frequency). This variant has been observed in individual(s) with clinical features of SMAD3-related conditions (Invitae). Experimental studies and prediction algorithms are not available or were not evaluated, and the effect of this variant on mRNA splicing is currently unknown. In summary, the available evidence is currently insufficient to determine the role of this variant in disease. Therefore, it has been classified as a Variant of Uncertain Significance.

NM_005902.4(SMAD3):c.401-7C>A

Gene: SMAD3 (SMAD family member 3; plus strand). Cytogenetic location: 15q22.33.
Variant type: single nucleotide variant.
Coding change: c.401-7C>A on transcript NM_005902.4 (MANE Select); 7 bases into the intron before coding-DNA position 401, C replaced by A.
Molecular consequence: intron variant.
Genome position (GRCh38, 1-based): chr15:67,165,246, C>A. VCF-style: chr15-67165246-C-A. GRCh37 (hg19) VCF-style: chr15-67457584-C-A.
Other names: c.86-7C>A (NM_001145102.2); c.269-7C>A (NM_001145103.2).
Identifiers: ClinVar variation 1254242 (VCV001254242.10), dbSNP rs774268232, ClinGen allele CA2499223060.